The following is an entry in ClinVar:

NM_000384.3(APOB):c.3617T>C (p.Met1206Thr)

Gene: APOB (apolipoprotein B; minus strand). Cytogenetic location: 2p24.1.
Variant type: single nucleotide variant.
Coding change: c.3617T>C on transcript NM_000384.3 (MANE Select); coding-DNA position 3617, T replaced by C.
Protein change: p.Met1206Thr; replaces methionine 1206 with threonine.
Molecular consequence: missense variant.
Genome position (GRCh38, 1-based): chr2:21,015,152, A>G on the plus strand (T>C on the coding strand, the complement: APOB is on the minus strand). VCF-style: chr2-21015152-A-G. GRCh37 (hg19) VCF-style: chr2-21238024-A-G.
Other names: short protein forms M1206T.
Identifiers: ClinVar variation 237746 (VCV000237746.12), dbSNP rs878853972, ClinGen allele CA10581914.

ClinVar aggregate classification (germline): Uncertain significance. Review status: criteria provided, multiple submitters, no conflicts (2 of 4 stars). 2 submissions from 2 submitters: Uncertain significance (2). Last evaluated 2026-07-01.

Conditions:
Cardiovascular phenotype. Identifiers: MedGen CN230736.
Hypercholesterolemia, autosomal dominant, type B (FHCL2). Also called: HYPERCHOLESTEROLEMIA, FAMILIAL, DUE TO LIGAND-DEFECTIVE APOLIPOPROTEIN B; Familial Hypercholesterolemia Type B; APOB-Related Familial Hypercholesterolemia, Autosomal Dominant; Familial hypercholesterolemia 2; APOLIPOPROTEIN B-100, FAMILIAL DEFECTIVE; APOLIPOPROTEIN B-100, FAMILIAL LIGAND-DEFECTIVE. Identifiers: MedGen C1704417, MONDO:0007751, OMIM 144010.
Familial hypobetalipoproteinemia 1. Also called: Hypobetalipoproteinemia, normotriglyceridemic; Acanthocytosis with hypobetalipoproteinemia; APOB-Related Familial Hypobetalipoproteinemia. Identifiers: MedGen C4551990, MONDO:0014252, OMIM 615558.

Allele frequency attached by ClinVar (database versions not stated): gnomAD exomes below 0.00001.

Submissions (2):

Ambry Genetics
Classification: Uncertain significance for Cardiovascular phenotype. Last evaluated: 2026-07-01. Review status: criteria provided, single submitter. Criteria: Ambry Variant Classification Scheme 2023. Collection method: clinical testing. Allele origin: germline.
Comment: The p.M1206T variant (also known as c.3617T>C), located in coding exon 23 of the APOB gene, results from a T to C substitution at nucleotide position 3617. The methionine at codon 1206 is replaced by threonine, an amino acid with similar properties. This amino acid position is conserved. In addition, this alteration is predicted to be tolerated by in silico analysis. Based on the available evidence, the clinical significance of this variant remains unclear.

Labcorp Genetics (formerly Invitae), Labcorp
Classification: Uncertain significance for Familial hypobetalipoproteinemia 1; Hypercholesterolemia, autosomal dominant, type B. Last evaluated: 2016-01-09. Review status: criteria provided, single submitter. Criteria: Invitae Variant Classification Sherloc (09022015). Collection method: clinical testing. Allele origin: germline.
Comment: This variant is not present in population databases (ExAC no frequency) and has not been reported in the literature in individuals with a APOB-related disease. In summary, this is a novel missense change that is not predicted to affect protein function or cause disease. However, the evidence is insufficient at this time to prove that conclusively. It has been classified as a Variant of Uncertain Significance. The threonine amino acid residue is found in multiple mammalian species, suggesting that this missense change does not adversely affect protein function. In addition, algorithms developed to predict the effect of missense changes on protein structure and function (SIFT, PolyPhen-2, Align-GVGD) all suggest that this variant is likely to be tolerated, but these predictions have not been confirmed by published functional studies. This sequence change replaces methionine with threonine at codon 1206 of the APOB protein (p.Met1206Thr). The methionine residue is weakly conserved and there is a moderate physicochemical difference between methionine and threonine.